The following is an entry in ClinVar:

ClinVar aggregate classification (germline): Pathogenic (1 of 4 stars; one submission).

Conditions:
Retinoblastoma (RB1). Also called: RETINOBLASTOMA, SOMATIC. Identifiers: Orphanet 790, MedGen C0035335, MeSH D012175, MONDO:0008380, OMIM 180200, HP:0009919. Disease mechanism: loss of function. Inheritance: Both sporadic and heritable forms are tested..

Submission:

Genetic Diagnostic Laboratory, University of Pennsylvania School of Medicine
Classification: Pathogenic for Retinoblastoma. Last evaluated: 2024-05-20. Review status: criteria provided, single submitter. Criteria: ACMG Guidelines, 2015. Collection method: clinical testing. Allele origin: germline. Affected: yes. Observed: 1 variant allele.
Comment: Case and Pedigree Information: BILATERAL CASES:1, UNILATERAL CASES:0, TOTAL CASES:1, PEDIGREES:1. ACMG Codes Applied:PVS1, PM2

NM_000321.3(RB1):c.2525_2526dup (p.Glu843fs)

Gene: RB1 (RB transcriptional corepressor 1; plus strand). Cytogenetic location: 13q14.2.
Variant type: Duplication.
Coding change: c.2525_2526dup on transcript NM_000321.3 (MANE Select); coding-DNA positions 2525 to 2526, 2 bases duplicated (CT; older notation c.2525_2526dupCT).
Protein change: p.Glu843fs; shifts the reading frame from glutamic acid 843.
Molecular consequence: frameshift variant. On other transcripts: 5 prime UTR variant (1).
Genome position (GRCh38, 1-based): chr13:48,476,705-48,476,706, CT duplicated; duplicating any 2 consecutive bases within chr13:48,476,704-48,476,706 gives the same sequence; the c. name uses the placement nearest the transcript's 3' end. VCF-style (leftmost placement, unchanged base first): chr13-48476703-T-TTC. GRCh37 (hg19) VCF-style: chr13-49050839-T-TTC.
Other names: c.2525_2526dup, p.Glu843fs (NM_001407165.1); c.-26_-25dup (NM_001407168.1); short protein forms E843fs.
Identifiers: ClinVar variation 3237107 (VCV003237107.1), dbSNP rs1566240909.